The following is an entry in ClinVar:

ClinVar aggregate classification (germline): Uncertain significance (1 of 4 stars; one submission).

Conditions:
Inborn genetic diseases. Identifiers: MedGen C0950123, MeSH D030342.

Allele frequency attached by ClinVar (database versions not stated): gnomAD 0.00001.
gnomAD v4.1: 1 of 1,613,890 alleles (0.000062%); highest among the groups gnomAD compares: Non-Finnish European, 0.000085%; no homozygotes.

Submission:

Ambry Genetics
Classification: Uncertain significance for Inborn genetic diseases. Last evaluated: 2021-03-10. Review status: criteria provided, single submitter. Criteria: Ambry Variant Classification Scheme 2023. Collection method: clinical testing. Allele origin: germline.
Comment: The c.1327C>T (p.R443*) alteration, located in coding exon 11 of the KCNQ5 gene, consists of a C to T substitution at nucleotide position 1327. This changes the amino acid from an arginine (R) to a stop codon at amino acid position 443. This alteration is expected to result in premature protein truncation or nonsense-mediated mRNA decay. However, loss of function of KCNQ5 has not been clearly established as a mechanism of disease. Based on data from the Genome Aggregation Database (gnomAD), the KCNQ5 c.1327C>T alteration was not observed, with coverage at this position. Based on insufficient or conflicting evidence, the clinical significance of this alteration remains unclear.

NM_019842.4(KCNQ5):c.1270C>T (p.Arg424Ter)

Gene: KCNQ5 (potassium voltage-gated channel subfamily Q member 5; plus strand). Cytogenetic location: 6q13.
Variant type: single nucleotide variant.
Coding change: c.1270C>T on transcript NM_019842.4 (MANE Select); coding-DNA position 1270, C replaced by T.
Protein change: p.Arg424Ter; replaces arginine 424 with a stop codon.
Molecular consequence: nonsense. On other transcripts: intron variant (1).
Genome position (GRCh38, 1-based): chr6:73,133,443, C>T. VCF-style: chr6-73133443-C-T. GRCh37 (hg19) VCF-style: chr6-73843166-C-T.
Other names: c.1243C>T, p.Arg415Ter (NM_001160130.2); c.1300C>T, p.Arg434Ter (NM_001160132.2); c.1327C>T, p.Arg443Ter (NM_001160133.2); c.1247+8931C>T (NM_001160134.2); short protein forms R424*, R443*, R415*, R434*.
Identifiers: ClinVar variation 521336 (VCV000521336.5), dbSNP rs1554213240, ClinGen allele CA364828088.